The following is an entry in ClinVar:

ClinVar aggregate classification (germline): Likely benign. Review status: criteria provided, multiple submitters, no conflicts (2 of 4 stars). 2 submissions from 2 submitters: Likely benign (2). Last evaluated 2025-09-16.

Conditions:
SPG11-related disorder. Also called: SPG11-related condition.
Hereditary spastic paraplegia 11. Also called: Spastic paraplegia, mental retardation and thin corpus callosum; Spastic Paraplegia 11; SPASTIC PARAPLEGIA, AUTOSOMAL RECESSIVE, COMPLICATED, WITH THIN CORPUS CALLOSUM; SPASTIC PARAPLEGIA, AUTOSOMAL RECESSIVE, WITH MENTAL IMPAIRMENT AND THIN CORPUS CALLOSUM; Nakamura Osame syndrome; Autosomal recessive hereditary spastic paraplegia, mental impairment, and thin corpus callosum. Identifiers: Orphanet 2822, MedGen C1858479, MONDO:0011445, OMIM 604360.

Allele frequency attached by ClinVar (database versions not stated): gnomAD exomes below 0.00001.
gnomAD v4.1: 1 of 1,614,170 alleles (0.000062%); highest among the groups gnomAD compares: East Asian, 0.0022%; no homozygotes.

Submissions (2):

PreventionGenetics, part of Exact Sciences
Classification: Likely benign for SPG11-related condition. Last evaluated: 2025-09-16. Review status: criteria provided, single submitter. Criteria: ACMG Guidelines, 2015. Collection method: clinical testing. Allele origin: germline.
Comment: This variant is classified as likely benign based on ACMG/AMP sequence variant interpretation guidelines (Richards et al. 2015 PMID: 25741868, with internal and published modifications).

Labcorp Genetics (formerly Invitae), Labcorp
Classification: Likely benign for Hereditary spastic paraplegia 11. Last evaluated: 2025-05-15. Review status: criteria provided, single submitter. Criteria: Invitae Variant Classification Sherloc (09022015). Collection method: clinical testing. Allele origin: germline.

NM_025137.4(SPG11):c.354T>C (p.Phe118=)

Gene: SPG11 (SPG11 vesicle trafficking associated, spatacsin; minus strand). Cytogenetic location: 15q21.1.
Variant type: single nucleotide variant.
Coding change: c.354T>C on transcript NM_025137.4 (MANE Select); coding-DNA position 354, T replaced by C.
Protein change: p.Phe118=; no amino-acid change (phenylalanine 118 retained).
Molecular consequence: synonymous variant.
Genome position (GRCh38, 1-based): chr15:44,660,520, A>G on the plus strand (T>C on the coding strand, the complement: SPG11 is on the minus strand). VCF-style: chr15-44660520-A-G. GRCh37 (hg19) VCF-style: chr15-44952718-A-G.
Other names: c.354T>C, p.Phe118= (NM_001160227.2).
Identifiers: ClinVar variation 699503 (VCV000699503.11), dbSNP rs1435339925, ClinGen allele CA490208408.